The following is an entry in ClinVar:

ClinVar aggregate classification (germline): Uncertain significance (1 of 4 stars; one submission).

Conditions:
Microcephaly, normal intelligence and immunodeficiency (NBS). Also called: SEEMANOVA SYNDROME II; IMMUNODEFICIENCY, MICROCEPHALY, AND CHROMOSOMAL INSTABILITY; Immunodeficiency, microcephaly with normal intelligence; Nijmegen breakage syndrome; Microcephaly with normal intelligence immunodeficiency and lymphoreticular malignancies; Nonsyndromal microcephaly autosomal recessive with normal intelligence. Identifiers: Orphanet 647, MedGen C0398791, MONDO:0009623, OMIM 251260.

Submission:

Labcorp Genetics (formerly Invitae), Labcorp
Classification: Uncertain significance for Microcephaly, normal intelligence and immunodeficiency. Last evaluated: 2024-10-19. Review status: criteria provided, single submitter. Criteria: Invitae Variant Classification Sherloc (09022015). Collection method: clinical testing. Allele origin: germline.
Comment: This sequence change falls in intron 11 of the NBN gene. It does not directly change the encoded amino acid sequence of the NBN protein. This variant is not present in population databases (gnomAD no frequency). This variant has not been reported in the literature in individuals affected with NBN-related conditions. Algorithms developed to predict the effect of sequence changes on RNA splicing suggest that this variant may disrupt the consensus splice site. In summary, the available evidence is currently insufficient to determine the role of this variant in disease. Therefore, it has been classified as a Variant of Uncertain Significance.

NM_002485.5(NBN):c.1846-6C>A

Genes: NBN (nibrin; minus strand), LOC126860438 (MED14-independent group 3 enhancer GRCh37_chr8:90959982-90961181; plus strand). Cytogenetic location: 8q21.3.
Variant type: single nucleotide variant.
Coding change: c.1846-6C>A on transcript NM_002485.5 (MANE Select); 6 bases into the intron before coding-DNA position 1846, C replaced by A.
Molecular consequence: intron variant.
Genome position (GRCh38, 1-based): chr8:89,947,898, G>T on the plus strand (C>A on the coding strand, the complement: NBN is on the minus strand). VCF-style: chr8-89947898-G-T. GRCh37 (hg19) VCF-style: chr8-90960126-G-T.
Other names: c.1600-6C>A (NM_001024688.3).
Identifiers: ClinVar variation 3721860 (VCV003721860.2).